The following is an entry in ClinVar:

ClinVar aggregate classification (germline): Likely benign. Review status: criteria provided, multiple submitters, no conflicts (2 of 4 stars). 4 submissions from 4 submitters: Likely benign (4). Last evaluated 2025-12-02.

Conditions:
Central core myopathy (CMYO1A). Also called: CONGENITAL MYOPATHY 1A, AUTOSOMAL DOMINANT, WITH SUSCEPTIBILITY TO MALIGNANT HYPERTHERMIA; Central core disease; Myopathy, central fibrillar. Identifiers: Orphanet 597, MedGen C5830701, MONDO:0007294, OMIM 117000.
Malignant hyperthermia, susceptibility to, 1 (MHS1). Also called: Anesthesia related hyperthermia; Malignant hyperpyrexia; Fulminating hyperpyrexia; Pharmacogenic myopathy; Malignant hyperthermia suceptibility 1; RYR1-Related Malignant Hyperthermia Susceptibility. Identifiers: Orphanet 423, MedGen C2930980, MONDO:0007783, OMIM 145600.
Congenital myopathy with fiber type disproportion. Also called: Congenital fiber-type disproportion myopathy; Congenital fiber-type disproportion. Identifiers: Orphanet 2020, MedGen C0546264, MONDO:0009711. Inheritance: all.
Congenital multicore myopathy with external ophthalmoplegia (CMYO1B). Also called: MULTIMINICORE DISEASE WITH EXTERNAL OPHTHALMOPLEGIA; Congenital myopathy 1B, autosomal recessive; Minicore myopathy; MULTICORE MYOPATHY; Minicore myopathy with external ophthalmoplegia. Identifiers: Orphanet 598, Orphanet 98905, MedGen C1850674, MONDO:0009712, OMIM 255320, HP:0003789.
King Denborough syndrome (KDS). Identifiers: MedGen C1840365, MONDO:0020485, OMIM 619542.
RYR1-related disorder. Also called: RYR1-related condition; RYR1-related disorders. Identifiers: MedGen CN239331.

Allele frequency attached by ClinVar (database versions not stated): ExAC 0.00002; gnomAD exomes 0.00002 and 0.00011; gnomAD 0.00005 and 0.00006; TOPMed 0.00007; ESP Exome Variant Server 0.00015.
gnomAD v4.1: 158 of 1,613,734 alleles (0.0098%); highest among the groups gnomAD compares: Non-Finnish European, 0.013%; no homozygotes.

Submissions (4):

Labcorp Genetics (formerly Invitae), Labcorp
Classification: Likely benign for RYR1-related disorder. Last evaluated: 2025-12-02. Review status: criteria provided, single submitter. Criteria: Invitae Variant Classification Sherloc (09022015). Collection method: clinical testing. Allele origin: germline.

All of Us Research Program, National Institutes of Health
Classification: Likely benign for Malignant hyperthermia, susceptibility to, 1. Last evaluated: 2023-12-13. Review status: criteria provided, single submitter. Criteria: ACMG Guidelines, 2015. Collection method: clinical testing. Allele origin: germline. Inheritance: Autosomal dominant inheritance. Observed: 13 variant alleles, 13 heterozygotes.
Comment: This study involves interpretation of variants in research participants for the purpose of population health screening. Participant phenotype was not available at the time of variant classification. Additional details can be found in publication PMID: 35346344, PMCID: PMC8962531

Color Diagnostics, LLC DBA Color Health
Classification: Likely benign for Malignant hyperthermia, susceptibility to, 1. Last evaluated: 2022-11-06. Review status: criteria provided, single submitter. Criteria: ACMG Guidelines, 2015. Collection method: clinical testing. Allele origin: germline.

Fulgent Genetics
Classification: Likely benign for Central core myopathy; Malignant hyperthermia, susceptibility to, 1; Congenital myopathy 4A, autosomal dominant; Congenital multicore myopathy with external ophthalmoplegia; King Denborough syndrome. Last evaluated: 2021-08-20. Review status: criteria provided, single submitter. Criteria: ACMG Guidelines, 2015. Collection method: clinical testing. Allele origin: unknown.

NM_000540.3(RYR1):c.10803C>T (p.Ala3601=)

Gene: RYR1 (ryanodine receptor 1; plus strand). Cytogenetic location: 19q13.2.
Variant type: single nucleotide variant.
Coding change: c.10803C>T on transcript NM_000540.3 (MANE Select); coding-DNA position 10803, C replaced by T.
Protein change: p.Ala3601=; no amino-acid change (alanine 3601 retained).
Molecular consequence: synonymous variant.
Genome position (GRCh38, 1-based): chr19:38,527,763, C>T. VCF-style: chr19-38527763-C-T. GRCh37 (hg19) VCF-style: chr19-39018403-C-T.
Other names: c.10788C>T, p.Ala3596= (NM_001042723.2).
Identifiers: ClinVar variation 698547 (VCV000698547.14), dbSNP rs141542477, ClinGen allele CA054727.